The following is an entry in ClinVar:

ClinVar aggregate classification (germline): Uncertain significance. Review status: criteria provided, multiple submitters, no conflicts (2 of 4 stars). 2 submissions from 2 submitters: Uncertain significance (2). Last evaluated 2024-04-30.

Conditions:
Inborn genetic diseases. Identifiers: MedGen C0950123, MeSH D030342.
COG1 congenital disorder of glycosylation (CDG2G). Also called: CONGENITAL DISORDER OF GLYCOSYLATION, TYPE IIg; CDG IIg; CDGII/COG1 CEREBROCOSTOMANDIBULAR-LIKE SYNDROME. Identifiers: Orphanet 263508, MedGen C2931011, MONDO:0012637, OMIM 611209.

Allele frequency attached by ClinVar (database versions not stated): ExAC 0.00001; gnomAD 0.00001.
gnomAD v4.1: 31 of 1,614,008 alleles (0.0019%); highest among the groups gnomAD compares: Non-Finnish European, 0.0023%; no homozygotes.

Submissions (2):

Labcorp Genetics (formerly Invitae), Labcorp
Classification: Uncertain significance for COG1 congenital disorder of glycosylation. Last evaluated: 2024-04-30. Review status: criteria provided, single submitter. Criteria: Invitae Variant Classification Sherloc (09022015). Collection method: clinical testing. Allele origin: germline.
Comment: This sequence change replaces arginine, which is basic and polar, with tryptophan, which is neutral and slightly polar, at codon 172 of the COG1 protein (p.Arg172Trp). This variant is present in population databases (rs751120141, gnomAD 0.003%). This variant has not been reported in the literature in individuals affected with COG1-related conditions. ClinVar contains an entry for this variant (Variation ID: 2186615). Advanced modeling of protein sequence and biophysical properties (such as structural, functional, and spatial information, amino acid conservation, physicochemical variation, residue mobility, and thermodynamic stability) performed at Invitae indicates that this missense variant is not expected to disrupt COG1 protein function with a negative predictive value of 80%. In summary, the available evidence is currently insufficient to determine the role of this variant in disease. Therefore, it has been classified as a Variant of Uncertain Significance.

Ambry Genetics
Classification: Uncertain significance for Inborn genetic diseases. Last evaluated: 2023-05-17. Review status: criteria provided, single submitter. Criteria: Ambry Variant Classification Scheme 2023. Collection method: clinical testing. Allele origin: germline.

NM_018714.3(COG1):c.514C>T (p.Arg172Trp)

Gene: COG1 (component of oligomeric golgi complex 1; plus strand). Cytogenetic location: 17q25.1.
Variant type: single nucleotide variant.
Coding change: c.514C>T on transcript NM_018714.3 (MANE Select); coding-DNA position 514, C replaced by T.
Protein change: p.Arg172Trp; replaces arginine 172 with tryptophan.
Molecular consequence: missense variant.
Genome position (GRCh38, 1-based): chr17:73,196,705, C>T. VCF-style: chr17-73196705-C-T. GRCh37 (hg19) VCF-style: chr17-71192844-C-T.
Other names: c.514C>T (NM_018714.2); short protein forms R172W.
Identifiers: ClinVar variation 2186615 (VCV002186615.5), dbSNP rs751120141, ClinGen allele CA8739977.